The following is an entry in ClinVar:

ClinVar aggregate classification (germline): Uncertain significance (1 of 4 stars; one submission).

Submission:

CeGaT Center for Human Genetics Tuebingen
Classification: Uncertain significance. Last evaluated: 2026-08-01. Review status: criteria provided, single submitter. Criteria: CeGaT Center For Human Genetics Tuebingen Variant Classification Criteria Version 2. Collection method: clinical testing. Allele origin: germline. Affected: yes. Observed: 1 variant allele.
Comment: THBS2: PM2

NM_003247.5(THBS2):c.1169G>A (p.Trp390Ter)

Genes: THBS2 (thrombospondin 2; minus strand), THBS2-AS1 (THBS2 antisense RNA 1; plus strand). Cytogenetic location: 6q27.
Variant type: single nucleotide variant.
Coding change: c.1169G>A on transcript NM_003247.5 (MANE Select); coding-DNA position 1169, G replaced by A.
Protein change: p.Trp390Ter; replaces tryptophan 390 with a stop codon.
Molecular consequence: nonsense. On other transcripts: non-coding transcript variant (2).
Genome position (GRCh38, 1-based): chr6:169,237,756, C>T on the plus strand (G>A on the coding strand, the complement: THBS2 is on the minus strand). VCF-style: chr6-169237756-C-T. GRCh37 (hg19) VCF-style: chr6-169637851-C-T.
Other names: c.1169G>A, p.Trp390Ter (NM_001381939.1, NM_001381940.1); c.938G>A, p.Trp313Ter (NM_001381942.1); short protein forms W313*, W390*.
Identifiers: ClinVar variation 5040376 (VCV005040376.1).